The following is an entry in ClinVar:

NM_000376.3(VDR):c.1056T>C (p.Ile352=)

Gene: VDR (vitamin D receptor; minus strand). Cytogenetic location: 12q13.11.
Variant type: single nucleotide variant.
Coding change: c.1056T>C on transcript NM_000376.3 (MANE Select); coding-DNA position 1056, T replaced by C.
Protein change: p.Ile352=; no amino-acid change (isoleucine 352 retained).
Molecular consequence: synonymous variant.
Genome position (GRCh38, 1-based): chr12:47,844,974, A>G on the plus strand (T>C on the coding strand, the complement: VDR is on the minus strand). VCF-style: chr12-47844974-A-G. GRCh37 (hg19) VCF-style: chr12-48238757-A-G.
Other names: p.Ile352=; c.1056T>C, p.Ile352= (NM_001017535.2, NM_001364085.2, NM_001374661.1 and 1 more transcripts); c.1206T>C, p.Ile402= (NM_001017536.2).
Identifiers: ClinVar variation 308877 (VCV000308877.34), dbSNP rs731236, ClinGen allele CA6533764.
Genomic context (GRCh38, chr12:47,844,974, plus strand): 5'-CGGGTGGCGGCAGCGGATGTACGTCTGCAGTGTGTTGGACAGGCGGTCCTGGATGGCCTC[A>G]ATCAGCGCGGCGTCCTGCACCCCAGGACGATCTGTGGGCACGGGGATAGAGAAGAAGGCA-3'
Protein context (NP_000367.1, residues 342-362): DRPGVQDAAL[Ile352=]EAIQDRLSNT

ClinVar aggregate classification (germline): Benign. Review status: criteria provided, multiple submitters, no conflicts (2 of 4 stars). 13 submissions from 13 submitters: Benign (9). 4 of the submissions do not count toward it. Last evaluated 2026-02-04.

Conditions:
Vitamin D-dependent rickets type II with alopecia (VDDR2A). Also called: Vitamin D-dependent rickets, type 2A; PDDR IIA; PSEUDOVITAMIN D-DEFICIENCY, TYPE IIA; RICKETS, HEREDITARY VITAMIN D-RESISTANT; RICKETS-ALOPECIA SYNDROME; VITAMIN D-DEPENDENT RICKETS, TYPE 2A, WITH OR WITHOUT ALOPECIA. Identifiers: Orphanet 93160, MedGen C0342646, MONDO:0010186, OMIM 277440.
Hepatocellular carcinoma (HCC). Also called: Primary carcinoma of liver; HEPATOMA; LIVER CELL CARCINOMA. Identifiers: Orphanet 88673, MedGen C2239176, MONDO:0007256, OMIM 114550, HP:0001402.
Periodontitis. Identifiers: MedGen C0031099, MONDO:0005076, HP:0000704.

Allele frequency attached by ClinVar (database versions not stated): 1000 Genomes Project 0.27656; 1000 Genomes Project 30x 0.27733; gnomAD exomes 0.32714; TOPMed 0.32715; ExAC 0.33385; gnomAD 0.33694 and 0.33962; ESP Exome Variant Server 0.35537.
gnomAD v4.1: 600,623 of 1,613,190 alleles (37%); highest among the groups gnomAD compares: Middle Eastern, 41%; 115,868 homozygotes.

Submissions (13):

Labcorp Genetics (formerly Invitae), Labcorp
Classification: Benign. Last evaluated: 2026-02-04. Review status: criteria provided, single submitter. Criteria: Invitae Variant Classification Sherloc (09022015). Collection method: clinical testing. Allele origin: germline.

Women's Health and Genetics/Laboratory Corporation of America, LabCorp
Classification: Benign. Last evaluated: 2026-01-08. Review status: criteria provided, single submitter. Criteria: LabCorp Variant Classification Summary - May 2015. Collection method: clinical testing. Allele origin: germline.

Blueprint Genetics
Classification: Benign. Last evaluated: 2024-11-27. Review status: criteria provided, single submitter. Criteria: ACMG Guidelines, 2015. Collection method: clinical testing. Allele origin: germline.

Mayo Clinic Laboratories, Mayo Clinic
Classification: Benign. Last evaluated: 2022-03-09. Review status: criteria provided, single submitter. Criteria: ACMG Guidelines, 2015. Collection method: clinical testing. Allele origin: germline. Observed: 99 variant alleles.

Genome-Nilou Lab
Classification: Benign for Vitamin D-dependent rickets type II with alopecia. Last evaluated: 2021-12-05. Review status: criteria provided, single submitter. Criteria: ACMG Guidelines, 2015. Collection method: clinical testing. Allele origin: germline. Affected: no.

GeneDx
Classification: Benign. Last evaluated: 2018-08-16. Review status: criteria provided, single submitter. Criteria: GeneDx Variant Classification Process June 2021. Collection method: clinical testing. Allele origin: germline. Affected: yes.

Illumina Laboratory Services, Illumina
Classification: Benign for Vitamin D-dependent rickets type II with alopecia. Last evaluated: 2018-01-13. Review status: criteria provided, single submitter. Criteria: ICSL Variant Classification Criteria 13 December 2019. Collection method: clinical testing. Allele origin: germline.
Comment: This variant was observed in the ICSL laboratory as part of a predisposition screen in an ostensibly healthy population. It had not been previously curated by ICSL or reported in the Human Gene Mutation Database (HGMD: prior to June 1st, 2018), and was therefore a candidate for classification through an automated scoring system. Utilizing variant allele frequency, disease prevalence and penetrance estimates, and inheritance mode, an automated score was calculated to assess if this variant is too frequent to cause the disease. Based on the score and internal cut-off values, a variant classified as benign is not then subjected to further curation. The score for this variant resulted in a classification of benign for this disease.

Laboratory for Molecular Medicine, Mass General Brigham Personalized Medicine
Classification: Benign. Last evaluated: 2016-03-21. Review status: criteria provided, single submitter. Criteria: LMM Criteria. Collection method: clinical testing. Allele origin: germline. Observed: 1 variant allele.
Comment: p.Ile352Ile in exon 11 of VDR: This variant is not expected to have clinical sig nificance because it does not alter an amino acid residue, is not located within the splice consensus sequence, and has been identified in 39.88% (26601/66704) of European chromosomes by the Exome Aggregation Consortium (ExAC; dbSNP rs731236).

Breakthrough Genomics
Classification: Benign. Review status: criteria provided, single submitter. Criteria: ACMG Guidelines, 2015. Collection method: not provided. Allele origin: germline. Inheritance: Autosomal recessive inheritance. Affected: yes.

Genetics Laboratory, Lanzhou University
Classification: Benign for periodontitis. Last evaluated: 2023-04-20. Review status: no assertion criteria provided. Collection method: case-control. Allele origin: germline. Affected: yes. Not counted in ClinVar's aggregate classification.

Bioengineering and Technology, Gauhati University
Classification: Likely risk allele for Hepatocellular carcinoma. Last evaluated: 2022-07-14. Review status: no assertion criteria provided. Collection method: case-control. Allele origin: germline. Affected: yes. Observed: 10 variant alleles, 6 heterozygotes, 4 homozygotes. Not counted in ClinVar's aggregate classification.

Diagnostic Laboratory, Department of Genetics, University Medical Center Groningen
Classification: Benign. Review status: no assertion criteria provided. Collection method: clinical testing. Allele origin: germline. Affected: yes. Study: VKGL Data-share Consensus. Not counted in ClinVar's aggregate classification.

Joint Genome Diagnostic Labs from Nijmegen and Maastricht, Radboudumc and MUMC+
Classification: Benign. Review status: no assertion criteria provided. Collection method: clinical testing. Allele origin: germline. Affected: yes. Study: VKGL Data-share Consensus. Not counted in ClinVar's aggregate classification.

Literature cited by the submitters: DOI 10.1089/gtmb.2018.0170 (cited by Bioengineering and Technology, Gauhati University).